The following is an entry in ClinVar:

NM_015466.4(PTPN23):c.914T>C (p.Ile305Thr)

Gene: PTPN23 (protein tyrosine phosphatase non-receptor type 23; plus strand). Cytogenetic location: 3p21.31.
Variant type: single nucleotide variant.
Coding change: c.914T>C on transcript NM_015466.4 (MANE Select); coding-DNA position 914, T replaced by C.
Protein change: p.Ile305Thr; replaces isoleucine 305 with threonine.
Molecular consequence: missense variant.
Genome position (GRCh38, 1-based): chr3:47,407,358, T>C. VCF-style: chr3-47407358-T-C. GRCh37 (hg19) VCF-style: chr3-47448848-T-C.
Other names: c.536T>C, p.Ile179Thr (NM_001304482.2); c.914T>C (NM_015466.2); short protein forms I305T, I179T.
Identifiers: ClinVar variation 1381120 (VCV001381120.4), dbSNP rs756429234, ClinGen allele CA2365551.

ClinVar aggregate classification (germline): Uncertain significance. Review status: criteria provided, multiple submitters, no conflicts (2 of 4 stars). 2 submissions from 2 submitters: Uncertain significance (2). Last evaluated 2024-12-04.

Conditions:
Inborn genetic diseases. Identifiers: MedGen C0950123, MeSH D030342.

Allele frequency attached by ClinVar (database versions not stated): gnomAD exomes 0.00002 and 0.00004; gnomAD 0.00003 and 0.00004; TOPMed 0.00003; ExAC 0.00006.
gnomAD v4.1: 35 of 1,613,812 alleles (0.0022%); highest among the groups gnomAD compares: South Asian, 0.0077%; 1 homozygote.

Submissions (2):

Ambry Genetics
Classification: Uncertain significance for Inborn genetic diseases. Last evaluated: 2024-12-04. Review status: criteria provided, single submitter. Criteria: Ambry Variant Classification Scheme 2023. Collection method: clinical testing. Allele origin: germline.

Labcorp Genetics (formerly Invitae), Labcorp
Classification: Uncertain significance. Last evaluated: 2022-06-20. Review status: criteria provided, single submitter. Criteria: Invitae Variant Classification Sherloc (09022015). Collection method: clinical testing. Allele origin: germline.
Comment: This sequence change replaces isoleucine, which is neutral and non-polar, with threonine, which is neutral and polar, at codon 305 of the PTPN23 protein (p.Ile305Thr). This variant is present in population databases (rs756429234, gnomAD 0.006%), including at least one homozygous and/or hemizygous individual. This variant has not been reported in the literature in individuals affected with PTPN23-related conditions. Algorithms developed to predict the effect of missense changes on protein structure and function are either unavailable or do not agree on the potential impact of this missense change (SIFT: "Deleterious"; PolyPhen-2: "Not Available"; Align-GVGD: "Class C25"). In summary, the available evidence is currently insufficient to determine the role of this variant in disease. Therefore, it has been classified as a Variant of Uncertain Significance.